The following is an entry in ClinVar:

NM_018389.5(SLC35C1):c.842G>A (p.Gly281Asp)

Gene: SLC35C1 (solute carrier family 35 member C1; plus strand). Cytogenetic location: 11p11.2.
Variant type: single nucleotide variant.
Coding change: c.842G>A on transcript NM_018389.5 (MANE Select); coding-DNA position 842, G replaced by A.
Protein change: p.Gly281Asp; replaces glycine 281 with aspartic acid.
Molecular consequence: missense variant.
Genome position (GRCh38, 1-based): chr11:45,811,082, G>A. VCF-style: chr11-45811082-G-A. GRCh37 (hg19) VCF-style: chr11-45832633-G-A.
Other names: c.803G>A, p.Gly268Asp (NM_001145265.2, NM_001145266.2); short protein forms G268D, G281D.
Identifiers: ClinVar variation 800528 (VCV000800528.5), dbSNP rs1265362913, ClinGen allele CA380206377.

ClinVar aggregate classification (germline): Uncertain significance. Review status: criteria provided, multiple submitters, no conflicts (2 of 4 stars). 4 submissions from 4 submitters: Uncertain significance (4). Last evaluated 2025-11-01.

Conditions:
Leukocyte adhesion deficiency type II. Also called: Congenital disorder of glycosylation type 2C; CDG 2C; Leukocyte adhesion deficiency type 2; Rambam Hasharon syndrome; CDG IIc; CONGENITAL DISORDER OF GLYCOSYLATION, TYPE IIc. Identifiers: Orphanet 2968, Orphanet 99843, MedGen C0398739, MONDO:0009953, OMIM 266265.
Inborn genetic diseases. Identifiers: MedGen C0950123, MeSH D030342.

Allele frequency attached by ClinVar (database versions not stated): gnomAD exomes below 0.00001; TOPMed 0.00001.
gnomAD v4.1: 1 of 1,613,184 alleles (0.000062%); highest among the groups gnomAD compares: Non-Finnish European, 0.000085%; no homozygotes.

Submissions (4):

Medical Molecular Genetics, National Research Centre
Classification: Uncertain significance for Leukocyte adhesion deficiency type II. Last evaluated: 2025-11-01. Review status: criteria provided, single submitter. Criteria: ACMG Guidelines, 2015. Collection method: research. Allele origin: inherited. Affected: yes.

Ambry Genetics
Classification: Uncertain significance for Inborn genetic diseases. Last evaluated: 2025-08-12. Review status: criteria provided, single submitter. Criteria: Ambry Variant Classification Scheme 2023. Collection method: clinical testing. Allele origin: germline.

Labcorp Genetics (formerly Invitae), Labcorp
Classification: Uncertain significance for Leukocyte adhesion deficiency type II. Last evaluated: 2024-12-18. Review status: criteria provided, single submitter. Criteria: Invitae Variant Classification Sherloc (09022015). Collection method: clinical testing. Allele origin: germline.
Comment: This sequence change replaces glycine, which is neutral and non-polar, with aspartic acid, which is acidic and polar, at codon 281 of the SLC35C1 protein (p.Gly281Asp). This variant is not present in population databases (gnomAD no frequency). This variant has not been reported in the literature in individuals affected with SLC35C1-related conditions. ClinVar contains an entry for this variant (Variation ID: 800528). Invitae Evidence Modeling of protein sequence and biophysical properties (such as structural, functional, and spatial information, amino acid conservation, physicochemical variation, residue mobility, and thermodynamic stability) indicates that this missense variant is expected to disrupt SLC35C1 protein function with a positive predictive value of 80%. In summary, the available evidence is currently insufficient to determine the role of this variant in disease. Therefore, it has been classified as a Variant of Uncertain Significance.

Broad Center for Mendelian Genomics, Broad Institute of MIT and Harvard
Classification: Uncertain significance for Leukocyte adhesion deficiency type II. Last evaluated: 2018-11-15. Review status: criteria provided, single submitter. Criteria: ACMG Guidelines, 2015. Collection method: research. Allele origin: germline. Inheritance: Autosomal recessive inheritance. Affected: yes.
Comment: This variant was absent from large population studies. Computational prediction tools and conservation analyses do not provide strong support for or against an impact to the protein. In summary, the clinical significance of the p.Pro126Leu variant is uncertain.